The following is an entry in ClinVar:

ClinVar aggregate classification (germline): Uncertain significance. Review status: criteria provided, multiple submitters, no conflicts (2 of 4 stars). 2 submissions from 2 submitters: Uncertain significance (2). Last evaluated 2025-10-01.

Conditions:
Ataxia-telangiectasia syndrome (AT). Also called: Ataxia-telangiectasia, complementation group D; AT, COMPLEMENTATION GROUP C; Ataxia-telangiectasia, complementation group E; Cerebello-oculocutaneous telangiectasia; Immunodeficiency with ataxia telangiectasia; ATAXIA-TELANGIECTASIA, COMPLEMENTATION GROUP A. Identifiers: Orphanet 100, MedGen C0004135, MONDO:0008840, OMIM 208900.
Hereditary cancer-predisposing syndrome. Also called: Neoplastic Syndromes, Hereditary; Hereditary Cancer Syndrome; Tumor predisposition; Hereditary neoplastic syndrome. Identifiers: Orphanet 140162, MedGen C0027672, MeSH D009386, MONDO:0015356.

Submissions (2):

Labcorp Genetics (formerly Invitae), Labcorp
Classification: Uncertain significance for Ataxia-telangiectasia syndrome. Last evaluated: 2025-10-01. Review status: criteria provided, single submitter. Criteria: Invitae Variant Classification Sherloc (09022015). Collection method: clinical testing. Allele origin: germline.
Comment: This sequence change replaces aspartic acid, which is acidic and polar, with asparagine, which is neutral and polar, at codon 840 of the ATM protein (p.Asp840Asn). This variant is not present in population databases (gnomAD no frequency). This variant has not been reported in the literature in individuals affected with ATM-related conditions. ClinVar contains an entry for this variant (Variation ID: 584486). Invitae Evidence Modeling of protein sequence and biophysical properties (such as structural, functional, and spatial information, amino acid conservation, physicochemical variation, residue mobility, and thermodynamic stability) indicates that this missense variant is not expected to disrupt ATM protein function with a negative predictive value of 95%. In summary, the available evidence is currently insufficient to determine the role of this variant in disease. Therefore, it has been classified as a Variant of Uncertain Significance.

GeneKor MSA
Classification: Uncertain significance for Hereditary cancer-predisposing syndrome. Last evaluated: 2018-08-01. Review status: criteria provided, single submitter. Criteria: ACMG Guidelines, 2015. Collection method: clinical testing. Allele origin: germline. Affected: yes.

NM_000051.4(ATM):c.2518G>A (p.Asp840Asn)

Gene: ATM (ATM serine/threonine kinase; plus strand). Cytogenetic location: 11q22.3.
Variant type: single nucleotide variant.
Coding change: c.2518G>A on transcript NM_000051.4 (MANE Select); coding-DNA position 2518, G replaced by A.
Protein change: p.Asp840Asn; replaces aspartic acid 840 with asparagine.
Molecular consequence: missense variant.
Genome position (GRCh38, 1-based): chr11:108,267,222, G>A. VCF-style: chr11-108267222-G-A. GRCh37 (hg19) VCF-style: chr11-108137949-G-A.
Other names: c.2518G>A, p.Asp840Asn (NM_001351834.2); short protein forms D840N.
Identifiers: ClinVar variation 584486 (VCV000584486.2), dbSNP rs879189597, ClinGen allele CA382543448.
Genomic context (GRCh38, chr11:108,267,222, plus strand): 5'-TCCTTGAAGGCATCCTTCATCAAAAAGCCATTTGACCGTGGAGAAGTAGAATCAATGGAA[G>A]ATGATACTAATGGAAATCTAATGGAGGTGGAGGATCAGTCATCCATGAATCTATTTAACG-3'
Protein context (NP_000042.3, residues 830-850): FDRGEVESME[Asp840Asn]DTNGNLMEVE